The following is an entry in ClinVar:

ClinVar aggregate classification (germline): Uncertain significance (1 of 4 stars; one submission).

Submission:

Labcorp Genetics (formerly Invitae), Labcorp
Classification: Uncertain significance. Last evaluated: 2022-06-04. Review status: criteria provided, single submitter. Criteria: Invitae Variant Classification Sherloc (09022015). Collection method: clinical testing. Allele origin: germline.
Comment: This sequence change replaces alanine, which is neutral and non-polar, with proline, which is neutral and non-polar, at codon 1374 of the ERCC6 protein (p.Ala1374Pro). This variant is not present in population databases (gnomAD no frequency). This variant has not been reported in the literature in individuals affected with ERCC6-related conditions. Algorithms developed to predict the effect of missense changes on protein structure and function (SIFT, PolyPhen-2, Align-GVGD) all suggest that this variant is likely to be tolerated. In summary, the available evidence is currently insufficient to determine the role of this variant in disease. Therefore, it has been classified as a Variant of Uncertain Significance.

NM_000124.4(ERCC6):c.4120G>C (p.Ala1374Pro)

Gene: ERCC6 (ERCC excision repair 6, chromatin remodeling factor; minus strand). Cytogenetic location: 10q11.23.
Variant type: single nucleotide variant.
Coding change: c.4120G>C on transcript NM_000124.4 (MANE Select); coding-DNA position 4120, G replaced by C.
Protein change: p.Ala1374Pro; replaces alanine 1374 with proline.
Molecular consequence: missense variant.
Genome position (GRCh38, 1-based): chr10:49,459,177, C>G on the plus strand (G>C on the coding strand, the complement: ERCC6 is on the minus strand). VCF-style: chr10-49459177-C-G. GRCh37 (hg19) VCF-style: chr10-50667223-C-G.
Other names: c.4120G>C, p.Ala1374Pro (NM_001346440.2); short protein forms A1374P.
Identifiers: ClinVar variation 2047742 (VCV002047742.1), dbSNP rs2495943767, ClinGen allele CA376704435.